The following is an entry in ClinVar:

ClinVar aggregate classification (germline): Likely benign (1 of 4 stars; one submission).

Submission:

GeneDx
Classification: Likely benign. Last evaluated: 2017-05-01. Review status: criteria provided, single submitter. Criteria: GeneDx Variant Classification (06012015). Collection method: clinical testing. Allele origin: germline. Affected: yes.
Comment: This variant is considered likely benign or benign based on one or more of the following criteria: it is a conservative change, it occurs at a poorly conserved position in the protein, it is predicted to be benign by multiple in silico algorithms, and/or has population frequency not consistent with disease.

NM_005609.4(PYGM):c.522C>A (p.Gly174=)

Gene: PYGM (glycogen phosphorylase, muscle associated; minus strand). Cytogenetic location: 11q13.1.
Variant type: single nucleotide variant.
Coding change: c.522C>A on transcript NM_005609.4 (MANE Select); coding-DNA position 522, C replaced by A.
Protein change: p.Gly174=; no amino-acid change (glycine 174 retained).
Molecular consequence: synonymous variant.
Genome position (GRCh38, 1-based): chr11:64,758,252, G>T on the plus strand (C>A on the coding strand, the complement: PYGM is on the minus strand). VCF-style: chr11-64758252-G-T. GRCh37 (hg19) VCF-style: chr11-64525724-G-T.
Other names: c.258C>A, p.Gly86= (NM_001164716.1).
Identifiers: ClinVar variation 509305 (VCV000509305.1), dbSNP rs771328699, ClinGen allele CA474959844.
Genomic context (GRCh38, chr11:64,758,252, plus strand): 5'-GGGGGTCTTCCCCATCCTGACTAGACCCCACAAGTTAGAGCCAAGGCTGCTCACCTGCCA[G>T]CCCCCGGAGATCTTCTGGTTAAAAATCCCAAACTCATAGCGAATCCCGTAGCCATAGGCG-3'
Protein context (NP_005600.1, residues 164-184): FGIFNQKISG[Gly174=]WQMEEADDWL